The following is an entry in ClinVar:

ClinVar aggregate classification (germline): Pathogenic. Review status: reviewed by expert panel (3 of 4 stars). 7 submissions from 7 submitters: Pathogenic (1). 6 of the submissions do not count toward it. Last evaluated 2023-06-15.

Conditions:
Marfan syndrome (MFS). Also called: FBN1-Related Marfan Syndrome; Marfan syndrome, classic; MARFAN SYNDROME, TYPE I; Marfan syndrome type 1; Marfan's syndrome. Identifiers: Orphanet 284963, Orphanet 558, MedGen C0024796, MONDO:0007947, OMIM 154700.
Familial thoracic aortic aneurysm and aortic dissection (TAAD). Also called: Thoracic aortic aneurysms and dissections. Identifiers: Orphanet 91387, MedGen C4707243, MONDO:0019625.
Marfan Syndrome/Loeys-Dietz Syndrome/Familial Thoracic Aortic Aneurysms and Dissections. Identifiers: MedGen CN229799.

Submissions (7):

ClinGen FBN1 Variant Curation Expert Panel, ClinGen
Classification: Pathogenic for Marfan syndrome. Last evaluated: 2023-06-15. Review status: reviewed by expert panel. Criteria: Assertion Criteria VCEP FBN1 Version 1. Collection method: curation. Allele origin: germline. Inheritance: Autosomal dominant inheritance.
Comment: The NM_00138 c.7165_7166, is a frameshift variant in FBN1 is predicted to result in a premature stop codon at position 2404. It is expected to cause a shift in the reading frame and likely results in an absent or disrupted protein product (PVS1). This variant, also described as c.7167_7169del2 or p.Leu2389fsX16 using alternate nomenclature, has also been described in three other probands with a clinical diagnosis of Marfan syndrome (PMID 25907466, 17657824, internal data) and in three probands suspected of having Marfan syndrome (PMID 24793577, 14695540, internal data) (PS4). This variant has been reported 5 times in ClinVar as pathogenic (Variantion ID: 42420). This variant is not present in gnomAD (PM2_sup). In summary, this variant meets criteria to be classified as pathogenic for Marfan syndrome based on the ACMG/AMP criteria applied, as specified by the ClinGen FBN1 VCEP: PVS1, PS4, PM6_Supportive, PM2_Supportive, PP4

Labcorp Genetics (formerly Invitae), Labcorp
Classification: Pathogenic for Marfan syndrome; Familial thoracic aortic aneurysm and aortic dissection. Last evaluated: 2025-03-26. Review status: criteria provided, single submitter. Criteria: Invitae Variant Classification Sherloc (09022015). Collection method: clinical testing. Allele origin: germline. Not counted in ClinVar's aggregate classification.
Comment: This sequence change creates a premature translational stop signal (p.Cys2390Serfs*15) in the FBN1 gene. It is expected to result in an absent or disrupted protein product. Loss-of-function variants in FBN1 are known to be pathogenic (PMID: 17657824, 19293843). This variant is not present in population databases (gnomAD no frequency). This premature translational stop signal has been observed in individual(s) with clinical features of Marfan syndrome (PMID: 14695540). This variant is also known as c.7167_7169del2 (p.Leu2389fsX16). ClinVar contains an entry for this variant (Variation ID: 42420). For these reasons, this variant has been classified as Pathogenic.

Centre of Medical Genetics, University of Antwerp
Classification: Pathogenic for Marfan syndrome. Last evaluated: 2021-03-01. Review status: criteria provided, single submitter. Criteria: Submitter's publication. Collection method: research. Allele origin: unknown. Affected: yes. Not counted in ClinVar's aggregate classification.
Comment: PM2, PVS1, PP4

Women's Health and Genetics/Laboratory Corporation of America, LabCorp
Classification: Pathogenic for Marfan Syndrome/Loeys-Dietz Syndrome/Familial Thoracic Aortic Aneurysms and Dissections. Last evaluated: 2016-04-29. Review status: criteria provided, single submitter. Criteria: LabCorp Variant Classification Summary - May 2015. Collection method: clinical testing. Allele origin: germline. Not counted in ClinVar's aggregate classification.
Comment: Variant summary: The c.7167_7168delCT variant results in a premature termination codon, predicted to cause a truncated or absent FBN1 protein, which is a commonly known mechanism for disease. Truncations downstream of this position have been classified as pathogenic by our laboratory (c.7180C>T, p.Arg2394X; c.8326C>T, p.Arg2776X). The variant is absent from the large, broad ExAC control population. The variant has been reported in multiple affected MFS patients from the literature and has been reported by multiple reputable clinical labs as "Pathogenic". Taken together, this variant has been classified as a Pathogenic.

GeneDx
Classification: Pathogenic. Last evaluated: 2014-03-12. Review status: criteria provided, single submitter. Criteria: GeneDx Variant Classification (06012015). Collection method: clinical testing. Allele origin: germline. Affected: yes. Not counted in ClinVar's aggregate classification.
Comment: The c.7167_7168delCT mutation in the FBN1 gene has been reported in one individual with Marfan or Marfan-like syndrome (reported as c.7167_7169del2 or p.Leu2389fsX16, using alternate nomenclature; Biggin et al., 2004). This individual had a positive wrist and thumb sign, joint hypermobility, highly arched palate with dental crowding, characteristic facial appearance, dilated aorta, and mitral valve prolapse. The c.7167_7168delCT mutation involves the latent transforming growth factor b1 binding protein (LTBP) domain of the FBN1 gene (Biggin et al., 2004). Additionally, c.7167_7168delCT wasnot observed in approximately 6500 individuals of European and African American ancestry in the NHLBI Exome Sequencing Project, indicating it is not a common benign variant in these populations. This mutation causes a shift in reading frame starting at codon Cysteine 2390, changing it to a Serine, and creating a premature stop codon at position 15 of the new reading frame, denoted p.Cys2390SerfsX15. This mutation is expected to result in either an abnormal, truncated protein product or loss of protein from this allele through nonsense-mediated mRNA decay. Other frameshift mutations in the FBN1 gene have been reported in association with Marfan syndrome. In summary, c.7167_7168delCT in the FBN1 gene is interpreted as a disease-causing mutation.

Laboratory for Molecular Medicine, Mass General Brigham Personalized Medicine
Classification: Pathogenic for Marfan syndrome. Last evaluated: 2010-07-01. Review status: criteria provided, single submitter. Criteria: LMM Criteria. Collection method: clinical testing. Allele origin: germline. Observed: 1 variant allele. Not counted in ClinVar's aggregate classification.

Center for Medical Genetics Ghent, University of Ghent
Classification: Pathogenic for Marfan syndrome. Last evaluated: 2017-11-07. Review status: no assertion criteria provided. Collection method: clinical testing. Allele origin: de novo. Affected: yes. Not counted in ClinVar's aggregate classification.

Literature cited by the submitters: PubMed 17657824 (cited by Labcorp Genetics (formerly Invitae), Labcorp and Women's Health and Genetics/Laboratory Corporation of America, LabCorp); PubMed 19293843 (cited by Labcorp Genetics (formerly Invitae), Labcorp); PubMed 14695540 (cited by 3 submitters); PubMed 25907466 (cited by Women's Health and Genetics/Laboratory Corporation of America, LabCorp); PubMed 24793577 (cited by Women's Health and Genetics/Laboratory Corporation of America, LabCorp).

NM_000138.5(FBN1):c.7167_7168del (p.Cys2390fs)

Gene: FBN1 (fibrillin 1; minus strand). Cytogenetic location: 15q21.1.
Variant type: Microsatellite.
Coding change: c.7167_7168del on transcript NM_000138.5 (MANE Select); coding-DNA positions 7167 to 7168, 2 bases deleted (CT; older notation c.7167_7168delCT).
Protein change: p.Cys2390fs; shifts the reading frame from cysteine 2390.
Molecular consequence: frameshift variant.
Genome position (GRCh38, 1-based): chr15:48,427,603-48,427,604, AG deleted on the plus strand (CT on the coding strand, the reverse complement: FBN1 is on the minus strand); deleting any 2 consecutive bases within chr15:48,427,603-48,427,606 gives the same sequence; the c. name uses the placement nearest the transcript's 3' end. VCF-style (leftmost placement, unchanged base first): chr15-48427602-CAG-C. GRCh37 (hg19) VCF-style: chr15-48719799-CAG-C.
Other names: NM_000138.4(FBN1):c.7165_7166CT[1]; c.7167_7168delCT (NM_000138.4); short protein forms C2390fs.
Identifiers: ClinVar variation 42420 (VCV000042420.25), dbSNP rs397515846, ClinGen allele CA017036.